The following is an entry in ClinVar:

ClinVar aggregate classification (germline): Uncertain significance (1 of 4 stars; one submission).

Submission:

GeneDx
Classification: Uncertain significance. Last evaluated: 2025-02-21. Review status: criteria provided, single submitter. Criteria: GeneDx Variant Classification Process June 2021. Collection method: clinical testing. Allele origin: germline. Affected: yes.
Comment: Not observed at significant frequency in large population cohorts (gnomAD); Nonsense variant predicted to result in protein truncation or nonsense mediated decay in a gene or region of a gene for which loss of function is not a well-established mechanism of disease; Has not been previously published as pathogenic or benign to our knowledge; Reported using an alternate transcript of the gene

NM_130839.5(UBE3A):c.20+455C>T

Genes: SNHG14 (small nucleolar RNA host gene 14; plus strand), UBE3A (ubiquitin protein ligase E3A; minus strand). Cytogenetic location: 15q11.2.
Variant type: single nucleotide variant.
Coding change: c.20+455C>T on transcript NM_130839.5 (MANE Select); 455 bases into the intron after coding-DNA position 20, C replaced by T.
Molecular consequence: intron variant. On other transcripts: nonsense (1), 5 prime UTR variant (7).
Genome position (GRCh38, 1-based): chr15:25,408,633, G>A on the plus strand (C>T on the coding strand, the complement: UBE3A is on the minus strand). VCF-style: chr15-25408633-G-A. GRCh37 (hg19) VCF-style: chr15-25653780-G-A.
Other names: c.16C>T, p.Gln6Ter (NM_000462.5); c.-125C>T (NM_001354506.2); c.-298C>T (NM_001354509.2); c.-250C>T (NM_001354526.1, NM_001354541.2); c.-200C>T (NM_001354543.2); c.-216C>T (NM_001354544.2); c.-1607C>T (NM_001374461.1); c.-116+29856C>T (NM_001354546.2); and 8 more; short protein forms Q6*.
Identifiers: ClinVar variation 4076847 (VCV004076847.1).